The following is an entry in ClinVar:

NM_012470.4(TNPO3):c.697-4_697-3delinsGA

Gene: TNPO3 (transportin 3; minus strand). Cytogenetic location: 7q32.1.
Variant type: Indel.
Coding change: c.697-4_697-3delinsGA on transcript NM_012470.4 (MANE Select); 4 bases into the intron before coding-DNA position 697 through 3 bases into the intron before coding-DNA position 697, CC replaced by GA.
Molecular consequence: intron variant.
Genome position (GRCh38, 1-based): chr7:129,001,237-129,001,238, GG replaced by TC on the plus strand (CC replaced by GA on the coding strand, the reverse complement: TNPO3 is on the minus strand). VCF-style: chr7-129001237-GG-TC. GRCh37 (hg19) VCF-style: chr7-128641291-GG-TC.
Other names: c.553-4_553-3delinsGA (NM_001382221.1); c.697-4_697-3delinsGA (NM_001382222.1, NM_001382219.1, NM_001382223.1 and 4 more transcripts); c.778-4_778-3delinsGA (NM_001382217.1).
Identifiers: ClinVar variation 1026289 (VCV001026289.10), dbSNP rs1801916406, ClinGen allele CA1742634303.

ClinVar aggregate classification (germline): Uncertain significance. Review status: criteria provided, multiple submitters, no conflicts (2 of 4 stars). 2 submissions from 2 submitters: Uncertain significance (2). Last evaluated 2021-04-13.

Conditions:
Autosomal dominant limb-girdle muscular dystrophy type 1F (LGMDD2). Also called: MUSCULAR DYSTROPHY, LIMB-GIRDLE, AUTOSOMAL DOMINANT 2; Limb-girdle muscular dystrophy, type 1F. Identifiers: Orphanet 55595, MedGen C1842062, MONDO:0012034, OMIM 608423.

Submissions (2):

GeneDx
Classification: Uncertain significance. Last evaluated: 2021-04-13. Review status: criteria provided, single submitter. Criteria: GeneDx Variant Classification Process June 2021. Collection method: clinical testing. Allele origin: germline. Affected: yes.
Comment: Not observed in large population cohorts (Lek et al., 2016); In silico analysis supports a deleterious effect on splicing; Has not been previously published as pathogenic or benign to our knowledge

Labcorp Genetics (formerly Invitae), Labcorp
Classification: Uncertain significance for Autosomal dominant limb-girdle muscular dystrophy type 1F. Last evaluated: 2020-09-15. Review status: criteria provided, single submitter. Criteria: Invitae Variant Classification Sherloc (09022015). Collection method: clinical testing. Allele origin: germline.
Comment: The frequency data for this variant in the population databases is not available, as this variant may be reported as separate entries in the ExAC database. In summary, the available evidence is currently insufficient to determine the role of this variant in disease. Therefore, it has been classified as a Variant of Uncertain Significance. Algorithms developed to predict the effect of sequence changes on RNA splicing suggest that this variant may disrupt the consensus splice site, but this prediction has not been confirmed by published transcriptional studies. This variant has not been reported in the literature in individuals with TNPO3-related conditions. This sequence change falls in intron 5 of the TNPO3 gene. It does not directly change the encoded amino acid sequence of the TNPO3 protein, but it affects a nucleotide within the consensus splice site of the intron.